The following is an entry in ClinVar:

ClinVar aggregate classification (germline): Pathogenic (1 of 4 stars; one submission).

Conditions:
Primary ciliary dyskinesia 19. Also called: CILIARY DYSKINESIA, PRIMARY, 19, WITH OR WITHOUT SITUS INVERSUS. Identifiers: Orphanet 244, MedGen C3543826, MONDO:0013979, OMIM 614935.

Allele frequency attached by ClinVar (database versions not stated): gnomAD 0.00001; TOPMed 0.00001.

Submission:

Labcorp Genetics (formerly Invitae), Labcorp
Classification: Pathogenic for Primary ciliary dyskinesia 19. Last evaluated: 2023-02-10. Review status: criteria provided, single submitter. Criteria: Invitae Variant Classification Sherloc (09022015). Collection method: clinical testing. Allele origin: germline.
Comment: This sequence change creates a premature translational stop signal (p.Glu151*) in the LRRC6 gene. It is expected to result in an absent or disrupted protein product. Loss-of-function variants in LRRC6 are known to be pathogenic (PMID: 23122589). This variant is not present in population databases (gnomAD no frequency). This variant has not been reported in the literature in individuals affected with LRRC6-related conditions. Algorithms developed to predict the effect of sequence changes on RNA splicing suggest that this variant may disrupt the consensus splice site. For these reasons, this variant has been classified as Pathogenic.

Literature cited by the submitters: PubMed 23122589.

NM_012472.6(DNAAF11):c.451G>T (p.Glu151Ter)

Gene: DNAAF11 (dynein axonemal assembly factor 11; minus strand). Cytogenetic location: 8q24.22.
Variant type: single nucleotide variant.
Coding change: c.451G>T on transcript NM_012472.6 (MANE Select); coding-DNA position 451, G replaced by T.
Protein change: p.Glu151Ter; replaces glutamic acid 151 with a stop codon.
Molecular consequence: nonsense. On other transcripts: non-coding transcript variant (1).
Genome position (GRCh38, 1-based): chr8:132,632,942, C>A on the plus strand (G>T on the coding strand, the complement: DNAAF11 is on the minus strand). VCF-style: chr8-132632942-C-A. GRCh37 (hg19) VCF-style: chr8-133645188-C-A.
Other names: c.451G>T, p.Glu151Ter (NM_001321961.2); c.205G>T, p.Glu69Ter (NM_001321962.2); c.91G>T, p.Glu31Ter (NM_001321963.2, NM_001321964.2, NM_001321965.2 and 1 more transcripts); short protein forms E151*, E69*, E31*.
Identifiers: ClinVar variation 2787661 (VCV002787661.3), dbSNP rs1218098769, ClinGen allele CA372295390.
Genomic context (GRCh38, chr8:132,632,942, plus strand): 5'-CTCTGATTTGTGGTTCAATTACTGAATAGTCCTGCAATGCCTTAATCCTTTCTGAAGGCT[C>A]TATTTCTTTACCATCCAACCACTTAAAGAAAAACAATAAATATAGTACAATTGTTCAAAA-3'